The following is an entry in ClinVar:

NM_022489.4(INF2):c.554T>C (p.Leu185Pro)

Gene: INF2 (inverted formin 2; plus strand). Cytogenetic location: 14q32.33.
Variant type: single nucleotide variant.
Coding change: c.554T>C on transcript NM_022489.4 (MANE Select); coding-DNA position 554, T replaced by C.
Protein change: p.Leu185Pro; replaces leucine 185 with proline.
Molecular consequence: missense variant.
Genome position (GRCh38, 1-based): chr14:104,703,341, T>C. VCF-style: chr14-104703341-T-C. GRCh37 (hg19) VCF-style: chr14-105169678-T-C.
Other names: c.554T>C, p.Leu185Pro (NM_001031714.4, NM_032714.3); short protein forms L185P.
Identifiers: ClinVar variation 472869 (VCV000472869.10), dbSNP rs1555373625, ClinGen allele CA391213259.

ClinVar aggregate classification (germline): Uncertain significance. Review status: criteria provided, multiple submitters, no conflicts (2 of 4 stars). 2 submissions from 2 submitters: Uncertain significance (2). Last evaluated 2024-05-31.

Conditions:
Focal segmental glomerulosclerosis 5 (FSGS5). Identifiers: Orphanet 656, MedGen C2750475, MONDO:0013191, OMIM 613237.
Charcot-Marie-Tooth disease dominant intermediate E. Also called: CHARCOT-MARIE-TOOTH NEUROPATHY WITH FOCAL SEGMENTAL GLOMERULONEPHRITIS. Identifiers: Orphanet 93114, MedGen C4302667, MONDO:0013758, OMIM 614455.

Submissions (2):

Fulgent Genetics
Classification: Uncertain significance for Focal segmental glomerulosclerosis 5; Charcot-Marie-Tooth disease dominant intermediate E. Last evaluated: 2024-05-31. Review status: criteria provided, single submitter. Criteria: ACMG Guidelines, 2015. Collection method: clinical testing. Allele origin: germline.

Labcorp Genetics (formerly Invitae), Labcorp
Classification: Uncertain significance for Charcot-Marie-Tooth disease dominant intermediate E; Focal segmental glomerulosclerosis 5. Last evaluated: 2018-09-13. Review status: criteria provided, single submitter. Criteria: Invitae Variant Classification Sherloc (09022015). Collection method: clinical testing. Allele origin: germline.
Comment: In summary, the available evidence is currently insufficient to determine the role of this variant in disease. Therefore, it has been classified as a Variant of Uncertain Significance. Algorithms developed to predict the effect of missense changes on protein structure and function do not agree on the potential impact of this missense change (SIFT: "Deleterious"; PolyPhen-2: "Probably Damaging"; Align-GVGD: "Class C0"). This variant has not been reported in the literature in individuals with INF2-related disease. This variant is not present in population databases (ExAC no frequency). This sequence change replaces leucine with proline at codon 185 of the INF2 protein (p.Leu185Pro). The leucine residue is highly conserved and there is a moderate physicochemical difference between leucine and proline.